The following is an entry in ClinVar:

ClinVar aggregate classification (germline): Uncertain significance (1 of 4 stars; one submission).

Conditions:
Immunodeficiency 35 (IMD35). Also called: TYK2 DEFICIENCY; HIES WITH ATYPICAL MYCOBACTERIOSIS, AUTOSOMAL RECESSIVE; HYPER-IgE SYNDROME WITH ATYPICAL MYCOBACTERIOSIS, AUTOSOMAL RECESSIVE; Susceptibility to infection due to TYK2 deficiency. Identifiers: Orphanet 331226, MedGen C1969086, MONDO:0012682, OMIM 611521.

Allele frequency attached by ClinVar (database versions not stated): ExAC 0.00014; gnomAD 0.00005.
gnomAD v4.1: 75 of 1,548,946 alleles (0.0048%); highest among the groups gnomAD compares: South Asian, 0.042%; 1 homozygote.

Submission:

Labcorp Genetics (formerly Invitae), Labcorp
Classification: Uncertain significance for Immunodeficiency 35. Last evaluated: 2022-02-12. Review status: criteria provided, single submitter. Criteria: Invitae Variant Classification Sherloc (09022015). Collection method: clinical testing. Allele origin: germline.
Comment: This sequence change falls in intron 13 of the TYK2 gene. It does not directly change the encoded amino acid sequence of the TYK2 protein. This variant is present in population databases (rs761206468, gnomAD 0.03%). This variant has not been reported in the literature in individuals affected with TYK2-related conditions. Algorithms developed to predict the effect of sequence changes on RNA splicing suggest that this variant may create or strengthen a splice site. In summary, the available evidence is currently insufficient to determine the role of this variant in disease. Therefore, it has been classified as a Variant of Uncertain Significance.

NM_003331.5(TYK2):c.1960-11G>A

Gene: TYK2 (tyrosine kinase 2; minus strand). Cytogenetic location: 19p13.2.
Variant type: single nucleotide variant.
Coding change: c.1960-11G>A on transcript NM_003331.5 (MANE Select); 11 bases into the intron before coding-DNA position 1960, G replaced by A.
Molecular consequence: intron variant.
Genome position (GRCh38, 1-based): chr19:10,361,609, C>T on the plus strand (G>A on the coding strand, the complement: TYK2 is on the minus strand). VCF-style: chr19-10361609-C-T. GRCh37 (hg19) VCF-style: chr19-10472285-C-T.
Other names: c.1774-11G>A (NM_001385199.1); c.1870-11G>A (NM_001385205.1); c.1762-11G>A (NM_001385201.1); c.1834-11G>A (NM_001385206.1); c.1942-11G>A (NM_001385207.1); c.1876-11G>A (NM_001385202.1); c.1960-11G>A (NM_001385200.1, NM_001385198.1, NM_001385197.1 and 2 more transcripts).
Identifiers: ClinVar variation 2194211 (VCV002194211.1), dbSNP rs761206468, ClinGen allele CA9193225.
Genomic context (GRCh38, chr19:10,361,609, plus strand): 5'-AGGTGCGTGTGGGAGACCTGGCTCATGAGGCTGGCTGTCTCGTAGAAGGCCTGTGGGGAC[C>T]GGGCAGGTCAGGTGGCTGCAAAGCCGACCCCTCCCATCCCACCTCCTCCACGGACACACC-3'